The following is an entry in ClinVar:

NM_001142800.2(EYS):c.2617A>G (p.Asn873Asp)

Gene: EYS (eyes shut homolog; minus strand). Cytogenetic location: 6q12.
Variant type: single nucleotide variant.
Coding change: c.2617A>G on transcript NM_001142800.2 (MANE Select); coding-DNA position 2617, A replaced by G.
Protein change: p.Asn873Asp; replaces asparagine 873 with aspartic acid.
Molecular consequence: missense variant.
Genome position (GRCh38, 1-based): chr6:64,912,508, T>C on the plus strand (A>G on the coding strand, the complement: EYS is on the minus strand). VCF-style: chr6-64912508-T-C. GRCh37 (hg19) VCF-style: chr6-65622401-T-C.
Other names: c.2617A>G, p.Asn873Asp (NM_001292009.2); short protein forms N873D.
Identifiers: ClinVar variation 1926907 (VCV001926907.3), dbSNP rs1474899320, ClinGen allele CA364786118.

ClinVar aggregate classification (germline): Uncertain significance (1 of 4 stars; one submission).

Submission:

Labcorp Genetics (formerly Invitae), Labcorp
Classification: Uncertain significance. Last evaluated: 2022-08-16. Review status: criteria provided, single submitter. Criteria: Invitae Variant Classification Sherloc (09022015). Collection method: clinical testing. Allele origin: germline.
Comment: In summary, the available evidence is currently insufficient to determine the role of this variant in disease. Therefore, it has been classified as a Variant of Uncertain Significance. Algorithms developed to predict the effect of missense changes on protein structure and function output the following: SIFT: "Tolerated"; PolyPhen-2: "Benign"; Align-GVGD: "Class C0". The aspartic acid amino acid residue is found in multiple mammalian species, which suggests that this missense change does not adversely affect protein function. This variant has not been reported in the literature in individuals affected with EYS-related conditions. This variant is not present in population databases (gnomAD no frequency). This sequence change replaces asparagine, which is neutral and polar, with aspartic acid, which is acidic and polar, at codon 873 of the EYS protein (p.Asn873Asp).